The following is an entry in ClinVar:

NM_001099922.3(ALG13):c.108A>G (p.Arg36=)

Gene: ALG13 (ALG13 UDP-N-acetylglucosaminyltransferase subunit; plus strand). Cytogenetic location: Xq23.
Variant type: single nucleotide variant.
Coding change: c.108A>G on transcript NM_001099922.3 (MANE Select); coding-DNA position 108, A replaced by G.
Protein change: p.Arg36=; no amino-acid change (arginine 36 retained).
Molecular consequence: synonymous variant. On other transcripts: 5 prime UTR variant (6), non-coding transcript variant (1), intron variant (5).
Genome position (GRCh38, 1-based): chrX:111,682,158, A>G. VCF-style: chrX-111682158-A-G. GRCh37 (hg19) VCF-style: chrX-110925386-A-G.
Other names: c.108A>G, p.Arg36= (NM_001039210.5, NM_001168385.3, NM_001324290.2 and 2 more transcripts); c.-68A>G (NM_001257231.2, NM_001257241.3); c.-205A>G (NM_001257237.2, NM_001257239.3, NM_001257240.3 and 1 more transcripts); c.-127-78A>G (NM_001257234.2, NM_001257230.2, NM_001257235.3 and 2 more transcripts).
Identifiers: ClinVar variation 509168 (VCV000509168.54), dbSNP rs769838471, ClinGen allele CA10493451.
Genomic context (GRCh38, chrX:111,682,158, plus strand): 5'-TAAAAGGCCCTCACATTCTGATTTCCTCTTTCAGAAAATCGAGAGCCTTGGTTACAACCG[A>G]CTTATCCTGCAAATTGGTAGAGGAACGGTGGTACCTGAACCCTTCAGTACTGAGTCGTTT-3'
Protein context (NP_001093392.1, residues 26-46): LQKIESLGYN[Arg36=]LILQIGRGTV

ClinVar aggregate classification (germline): Benign/Likely benign. Review status: criteria provided, multiple submitters, no conflicts (2 of 4 stars). 7 submissions from 7 submitters: Benign (3); Likely benign (4). Last evaluated 2025-11-17.

Conditions:
ALG13-related disorder. Also called: ALG13-related condition.
Inborn genetic diseases. Identifiers: MedGen C0950123, MeSH D030342.
Developmental and epileptic encephalopathy, 36 (DEE36). Also called: Epileptic encephalopathy, early infantile, 36; Congenital disorder of glycosylation, type Is; ALG13-CDG. Identifiers: Orphanet 324422, MedGen C4317295, MONDO:0010472, OMIM 300884.

Allele frequency attached by ClinVar (database versions not stated): gnomAD 0.00005 and 0.00009; TOPMed 0.00011; gnomAD exomes 0.00021 and 0.00022; ExAC 0.00023; 1000 Genomes Project 0.00053; 1000 Genomes Project 30x 0.00062.
gnomAD v4.1: 241 of 1,191,282 alleles (0.02%); highest among the groups gnomAD compares: Middle Eastern, 0.26%; 1 homozygote.

Submissions (7):

Labcorp Genetics (formerly Invitae), Labcorp
Classification: Benign for Developmental and epileptic encephalopathy, 36. Last evaluated: 2025-11-17. Review status: criteria provided, single submitter. Criteria: Invitae Variant Classification Sherloc (09022015). Collection method: clinical testing. Allele origin: germline.

PreventionGenetics, part of Exact Sciences
Classification: Likely benign for ALG13-related condition. Last evaluated: 2024-11-21. Review status: criteria provided, single submitter. Criteria: ACMG Guidelines, 2015. Collection method: clinical testing. Allele origin: germline.
Comment: This variant is classified as likely benign based on ACMG/AMP sequence variant interpretation guidelines (Richards et al. 2015 PMID: 25741868, with internal and published modifications).

Blueprint Genetics
Classification: Likely benign. Last evaluated: 2024-10-23. Review status: criteria provided, single submitter. Criteria: ACMG Guidelines, 2015. Collection method: clinical testing. Allele origin: germline.

CeGaT Center for Human Genetics Tuebingen
Classification: Likely benign. Last evaluated: 2022-06-01. Review status: criteria provided, single submitter. Criteria: CeGaT Center For Human Genetics Tuebingen Variant Classification Criteria Version 2. Collection method: clinical testing. Allele origin: germline. Affected: yes. Observed: 2 variant alleles.
Comment: ALG13: BP4, BP7

Genome-Nilou Lab
Classification: Benign for Developmental and epileptic encephalopathy, 36. Last evaluated: 2021-12-05. Review status: criteria provided, single submitter. Criteria: ACMG Guidelines, 2015. Collection method: clinical testing. Allele origin: germline. Affected: no.

GeneDx
Classification: Likely benign. Last evaluated: 2017-11-02. Review status: criteria provided, single submitter. Criteria: GeneDx Variant Classification (06012015). Collection method: clinical testing. Allele origin: germline. Affected: yes.
Comment: This variant is considered likely benign or benign based on one or more of the following criteria: it is a conservative change, it occurs at a poorly conserved position in the protein, it is predicted to be benign by multiple in silico algorithms, and/or has population frequency not consistent with disease.

Ambry Genetics
Classification: Benign for Inborn genetic diseases. Last evaluated: 2016-07-26. Review status: criteria provided, single submitter. Criteria: Ambry Variant Classification Scheme 2023. Collection method: clinical testing. Allele origin: germline.